The following is an entry in ClinVar:

ClinVar aggregate classification (germline): Pathogenic/Likely pathogenic. Review status: criteria provided, multiple submitters, no conflicts (2 of 4 stars). 2 submissions from 2 submitters: Pathogenic (1); Likely pathogenic (1). Last evaluated 2026-01-09.

Conditions:
Pheochromocytoma/paraganglioma syndrome 1. Also called: PARAGANGLIOMATA; Paragangliomas 1; Glomus tumors familial 1; Paraganglioma - glomus jugulare; SDHD-Related Hereditary Paraganglioma-Pheochromocytoma Syndrome; PARAGANGLIOMAS, FAMILIAL NONCHROMAFFIN, 1. Identifiers: Orphanet 29072, MedGen C3494181, MONDO:0008192, OMIM 168000.
Hereditary cancer-predisposing syndrome. Also called: Neoplastic Syndromes, Hereditary; Tumor predisposition; Hereditary neoplastic syndrome; Hereditary Cancer Syndrome. Identifiers: Orphanet 140162, MedGen C0027672, MeSH D009386, MONDO:0015356.

Submissions (2):

Myriad Genetics, Inc.
Classification: Pathogenic for Pheochromocytoma/paraganglioma syndrome 1. Last evaluated: 2026-01-09. Review status: criteria provided, single submitter. Criteria: Myriad Autosomal Dominant, Autosomal Recessive and X-Linked Classification Criteria (2023). Collection method: clinical testing. Allele origin: unknown.
Comment: This variant is considered pathogenic. This variant occurs within a consensus splice junction and is predicted to result in abnormal mRNA splicing of either an out-of-frame exon or an in-frame exon necessary for protein stability and/or normal function. This variant has been reported in multiple individuals with clinical features of gene-specific disease [PMID: 19454582, 25720320, 33362715, 34439168].

Molecular Diagnostics Laboratory, Catalan Institute of Oncology
Classification: Likely pathogenic for Hereditary cancer-predisposing syndrome. Last evaluated: 2025-02-19. Review status: criteria provided, single submitter. Criteria: ACMG Guidelines, 2015. Collection method: clinical testing. Allele origin: germline.
Comment: PVS1_Strong, PS4_Supporting, PM2_Supporting c.315-2A>C, located in a canonic splicing site of the SDHB gene is predicted to alter splicing. The SpliceAI algorithm predicts that the variant generate a new acceptor site downstream of the canonical site (SpliceAI-AcceptorGain score: 0.12), probably causing the skipping of first 14 bases of exon 4 (r.315_328del; p.Trp105Cysfs*4) (removes >10% protein) (PVS1_Strong). It is not present in the population database gnomAD v2.1.1, non-cancer dataset (PM2_supporting). To our knowledge, no functional studies have been reported for this variant. The variant has not been reported neither in ClinVar nor in LOVD databases. Based on currently available information, the variant c.315-2A>C should be considered a likely pathogenic variant.

Literature cited by the submitters: PubMed 19454582 (cited by Myriad Genetics, Inc.); PubMed 25720320 (cited by Myriad Genetics, Inc.); PubMed 33362715 (cited by Myriad Genetics, Inc.); PubMed 34439168 (cited by Myriad Genetics, Inc.).

NM_003002.4(SDHD):c.315-2A>C

Gene: SDHD (succinate dehydrogenase complex subunit D; plus strand). Cytogenetic location: 11q23.1.
Variant type: single nucleotide variant.
Coding change: c.315-2A>C on transcript NM_003002.4 (MANE Select); the canonical splice acceptor site of the intron before coding-DNA position 315, A replaced by C.
Molecular consequence: splice acceptor variant.
Genome position (GRCh38, 1-based): chr11:112,094,803, A>C. VCF-style: chr11-112094803-A-C. GRCh37 (hg19) VCF-style: chr11-111965527-A-C.
Other names: c.*13-2A>C (NM_001276506.2); c.170-2A>C (NM_001276503.2); c.198-2A>C (NM_001276504.2).
Identifiers: ClinVar variation 3774473 (VCV003774473.2).
Genomic context (GRCh38, chr11:112,094,803, plus strand): 5'-GTATAGTCTTCTAATTTCACTGTGGTTTTTTATTGATGTTATGATTTTTTCTTTTTCTTT[A>C]GGGGCCTTGGACAAGTTGTTACTGACTATGTTCATGGGGATGCCTTGCAGAAAGCTGCCA-3'